The following is an entry in ClinVar:

ClinVar aggregate classification (germline): Likely benign (0 of 4 stars; one submission).

Conditions:
ATP7B-related disorder. Also called: ATP7B-related condition.

Allele frequency attached by ClinVar (database versions not stated): gnomAD exomes below 0.00001; TOPMed below 0.00001.
gnomAD v4.1: 1 of 1,591,910 alleles (0.000063%); highest among the groups gnomAD compares: Admixed American, 0.0017%; no homozygotes.

Submission:

PreventionGenetics, part of Exact Sciences
Classification: Likely benign for ATP7B-related condition. Last evaluated: 2020-09-08. Review status: no assertion criteria provided. Collection method: clinical testing. Allele origin: germline.
Comment: This variant is classified as likely benign based on ACMG/AMP sequence variant interpretation guidelines (Richards et al. 2015 PMID: 25741868, with internal and published modifications).

NM_000053.4(ATP7B):c.-81A>G

Gene: ATP7B (ATPase copper transporting beta; minus strand). Cytogenetic location: 13q14.3.
Variant type: single nucleotide variant.
Coding change: c.-81A>G on transcript NM_000053.4 (MANE Select); 81 bases upstream of the start codon, A replaced by G.
Molecular consequence: 5 prime UTR variant. On other transcripts: intron variant (11).
Genome position (GRCh38, 1-based): chr13:52,011,418, T>C on the plus strand (A>G on the coding strand, the complement: ATP7B is on the minus strand). VCF-style: chr13-52011418-T-C. GRCh37 (hg19) VCF-style: chr13-52585554-T-C.
Other names: c.-81A>G (NM_001005918.3, NM_001243182.2, NM_001330578.2 and 20 more transcripts); c.-268A>G (NM_001406518.1); c.-210A>G (NM_001406539.1); c.-54-27A>G (NM_001406541.1, NM_001406531.1, NM_001406527.1 and 7 more transcripts); c.-183-27A>G (NM_001406543.1).
Identifiers: ClinVar variation 3032989 (VCV003032989.2), dbSNP rs1954031128, ClinGen allele CA2091580154.